The following is an entry in ClinVar:

NM_001166108.2(PALLD):c.2006C>T (p.Ser669Phe)

Gene: PALLD (palladin, cytoskeletal associated protein; plus strand). Cytogenetic location: 4q32.3.
Variant type: single nucleotide variant.
Coding change: c.2006C>T on transcript NM_001166108.2 (MANE Select); coding-DNA position 2006, C replaced by T.
Protein change: p.Ser669Phe; replaces serine 669 with phenylalanine.
Molecular consequence: missense variant. On other transcripts: 5 prime UTR variant (4).
Genome position (GRCh38, 1-based): chr4:168,890,963, C>T. VCF-style: chr4-168890963-C-T. GRCh37 (hg19) VCF-style: chr4-169812114-C-T.
Other names: c.860C>T, p.Ser287Phe (NM_001166109.2); c.545C>T, p.Ser182Phe (NM_001166110.2); c.-116C>T (NM_001367567.1, NM_001367568.1, NM_001367569.1 and 1 more transcripts); c.2006C>T, p.Ser669Phe (NM_016081.4); short protein forms S182F, S287F, S669F.
Identifiers: ClinVar variation 1784324 (VCV001784324.4), dbSNP rs1754074834, ClinGen allele CA358797142.

ClinVar aggregate classification (germline): Uncertain significance. Review status: criteria provided, multiple submitters, no conflicts (2 of 4 stars). 2 submissions from 2 submitters: Uncertain significance (2). Last evaluated 2024-04-02.

Conditions:
Pancreatic adenocarcinoma. Identifiers: MedGen C0281361, MONDO:0006047, HP:0006725.

Allele frequency attached by ClinVar (database versions not stated): gnomAD exomes below 0.00001; TOPMed 0.00001.
gnomAD v4.1: 4 of 1,613,996 alleles (0.00025%); highest among the groups gnomAD compares: Non-Finnish European, 0.00025%; no homozygotes.

Submissions (2):

Labcorp Genetics (formerly Invitae), Labcorp
Classification: Uncertain significance for Pancreatic adenocarcinoma. Last evaluated: 2024-04-02. Review status: criteria provided, single submitter. Criteria: Invitae Variant Classification Sherloc (09022015). Collection method: clinical testing. Allele origin: germline.
Comment: This sequence change replaces serine, which is neutral and polar, with phenylalanine, which is neutral and non-polar, at codon 182 of the PALLD protein (p.Ser182Phe). This variant is not present in population databases (gnomAD no frequency). This variant has not been reported in the literature in individuals affected with PALLD-related conditions. ClinVar contains an entry for this variant (Variation ID: 1784324). An algorithm developed to predict the effect of missense changes on protein structure and function (PolyPhen-2) suggests that this variant is likely to be disruptive. In summary, the available evidence is currently insufficient to determine the role of this variant in disease. Therefore, it has been classified as a Variant of Uncertain Significance.

Ambry Genetics
Classification: Uncertain significance. Last evaluated: 2023-09-17. Review status: criteria provided, single submitter. Criteria: Ambry Variant Classification Scheme 2023. Collection method: clinical testing. Allele origin: germline.
Comment: The p.S669F variant (also known as c.2006C>T), located in coding exon 10 of the PALLD gene, results from a C to T substitution at nucleotide position 2006. The serine at codon 669 is replaced by phenylalanine, an amino acid with highly dissimilar properties. This amino acid position is conserved. In addition, this alteration is predicted to be deleterious by in silico analysis. Since supporting evidence is limited at this time, the clinical significance of this alteration remains unclear.